The following is an entry in ClinVar:

NM_000196.4(HSD11B2):c.588G>A (p.Ala196=)

Gene: HSD11B2 (hydroxysteroid 11-beta dehydrogenase 2; plus strand). Cytogenetic location: 16q22.1.
Variant type: single nucleotide variant.
Coding change: c.588G>A on transcript NM_000196.4 (MANE Select); coding-DNA position 588, G replaced by A.
Protein change: p.Ala196=; no amino-acid change (alanine 196 retained).
Molecular consequence: synonymous variant.
Genome position (GRCh38, 1-based): chr16:67,436,066, G>A. VCF-style: chr16-67436066-G-A. GRCh37 (hg19) VCF-style: chr16-67469969-G-A.
Other names: p.Ala196=.
Identifiers: ClinVar variation 36369 (VCV000036369.17), dbSNP rs5480, ClinGen allele CA214010.

ClinVar aggregate classification (germline): Benign/Likely benign. Review status: criteria provided, multiple submitters, no conflicts (2 of 4 stars). 7 submissions from 7 submitters: Benign (5); Likely benign (1). 1 of the submissions does not count toward it. Last evaluated 2026-02-04.

Conditions:
HSD11B2-related disorder. Also called: HSD11B2-related condition.
Apparent mineralocorticoid excess (AME). Also called: CORTISOL 11-BETA-KETOREDUCTASE DEFICIENCY. Identifiers: Orphanet 320, MedGen C0342488, MONDO:0009025, OMIM 218030.

Allele frequency attached by ClinVar (database versions not stated): ExAC 0.02729; 1000 Genomes Project 0.10204; gnomAD exomes 0.02192; gnomAD 0.08122; TOPMed 0.09309; ESP Exome Variant Server 0.09495; 1000 Genomes Project 30x 0.10962.

Submissions (7):

Labcorp Genetics (formerly Invitae), Labcorp
Classification: Benign. Last evaluated: 2026-02-04. Review status: criteria provided, single submitter. Criteria: Invitae Variant Classification Sherloc (09022015). Collection method: clinical testing. Allele origin: germline.

Blueprint Genetics
Classification: Likely benign. Last evaluated: 2024-11-26. Review status: criteria provided, single submitter. Criteria: ACMG Guidelines, 2015. Collection method: clinical testing. Allele origin: germline.

Mayo Clinic Laboratories, Mayo Clinic
Classification: Benign. Last evaluated: 2023-04-03. Review status: criteria provided, single submitter. Criteria: ACMG Guidelines, 2015. Collection method: clinical testing. Allele origin: germline. Observed: 9 variant alleles.

GeneDx
Classification: Benign. Last evaluated: 2020-02-03. Review status: criteria provided, single submitter. Criteria: GeneDx Variant Classification Process June 2021. Collection method: clinical testing. Allele origin: germline. Affected: yes.

Women's Health and Genetics/Laboratory Corporation of America, LabCorp
Classification: Benign for Apparent Mineralocorticoid Excess. Last evaluated: 2011-08-18. Review status: criteria provided, single submitter. Criteria: LabCorp Variant Classification Summary - May 2015. Collection method: curation, clinical testing. Allele origin: germline. Inheritance: autosomal unknown. Affected: yes.
ClinVar note: Converted during submission from benign to Benign.

Breakthrough Genomics
Classification: Benign. Review status: criteria provided, single submitter. Criteria: ACMG Guidelines, 2015. Collection method: not provided. Allele origin: germline. Inheritance: Autosomal recessive inheritance. Affected: yes.

PreventionGenetics, part of Exact Sciences
Classification: Benign for HSD11B2-related condition. Last evaluated: 2019-07-08. Review status: no assertion criteria provided. Collection method: clinical testing. Allele origin: germline. Not counted in ClinVar's aggregate classification.
Comment: This variant is classified as benign based on ACMG/AMP sequence variant interpretation guidelines (Richards et al. 2015 PMID: 25741868, with internal and published modifications).